The following is an entry in ClinVar:

ClinVar aggregate classification (germline): Uncertain significance (1 of 4 stars; one submission).

Conditions:
Spondyloenchondrodysplasia with immune dysregulation (SPENCDI). Also called: SPONDYLOENCHONDRODYSPLASIA WITH OR WITHOUT IMMUNE DYSREGULATION; COMBINED IMMUNODEFICIENCY WITH AUTOIMMUNITY AND SPONDYLOMETAPHYSEAL DYSPLASIA; ROIFMAN IMMUNOSKELETAL SYNDROME. Identifiers: Orphanet 1855, MedGen C1842763, MONDO:0011939, OMIM 607944.

Submission:

Labcorp Genetics (formerly Invitae), Labcorp
Classification: Uncertain significance for Spondyloenchondrodysplasia with immune dysregulation. Last evaluated: 2022-08-05. Review status: criteria provided, single submitter. Criteria: Invitae Variant Classification Sherloc (09022015). Collection method: clinical testing. Allele origin: germline.
Comment: This variant has not been reported in the literature in individuals affected with ACP5-related conditions. This variant is not present in population databases (gnomAD no frequency). This sequence change replaces isoleucine, which is neutral and non-polar, with asparagine, which is neutral and polar, at codon 307 of the ACP5 protein (p.Ile307Asn). Algorithms developed to predict the effect of missense changes on protein structure and function are either unavailable or do not agree on the potential impact of this missense change (SIFT: "Not Available"; PolyPhen-2: "Probably Damaging"; Align-GVGD: "Not Available"). In summary, the available evidence is currently insufficient to determine the role of this variant in disease. Therefore, it has been classified as a Variant of Uncertain Significance.

NM_001611.5(ACP5):c.920T>A (p.Ile307Asn)

Gene: ACP5 (acid phosphatase 5, tartrate resistant; minus strand). Cytogenetic location: 19p13.2.
Variant type: single nucleotide variant.
Coding change: c.920T>A on transcript NM_001611.5 (MANE Select); coding-DNA position 920, T replaced by A.
Protein change: p.Ile307Asn; replaces isoleucine 307 with asparagine.
Molecular consequence: missense variant.
Genome position (GRCh38, 1-based): chr19:11,575,068, A>T on the plus strand (T>A on the coding strand, the complement: ACP5 is on the minus strand). VCF-style: chr19-11575068-A-T. GRCh37 (hg19) VCF-style: chr19-11685883-A-T.
Other names: c.920T>A, p.Ile307Asn (NM_001111034.3, NM_001111035.3, NM_001111036.3 and 1 more transcripts); short protein forms I307N.
Identifiers: ClinVar variation 1715099 (VCV001715099.6), dbSNP rs2512718867, ClinGen allele CA404145028.